The following is an entry in ClinVar:

NM_001388419.1(KALRN):c.5047G>A (p.Glu1683Lys)

Gene: KALRN (kalirin RhoGEF kinase; plus strand). Cytogenetic location: 3q21.2.
Variant type: single nucleotide variant.
Coding change: c.5047G>A on transcript NM_001388419.1 (MANE Select); coding-DNA position 5047, G replaced by A.
Protein change: p.Glu1683Lys; replaces glutamic acid 1683 with lysine.
Molecular consequence: missense variant.
Genome position (GRCh38, 1-based): chr3:124,562,954, G>A. VCF-style: chr3-124562954-G-A. GRCh37 (hg19) VCF-style: chr3-124281801-G-A.
Other names: c.5041G>A, p.Glu1681Lys (NM_001024660.5, NM_001322988.2); c.3118G>A, p.Glu1040Lys (NM_001388412.1); short protein forms E1040K, E1681K, E1683K.
Identifiers: ClinVar variation 2634701 (VCV002634701.1), dbSNP rs776744233, ClinGen allele CA2580283.
Genomic context (GRCh38, chr3:124,562,954, plus strand): 5'-CACAGCAGTGAGCTGACCATCCAGGTGGGGCAGACGGTAGAGCTGCTGGAGCGGCCCAGC[G>A]AGCGGCCTGGTTGGTGTCTGGTCCGTACCACCGAACGGAGCCCGCCCTTGGAGGGTCTGG-3'
Protein context (NP_001375348.1, residues 1673-1693): QTVELLERPS[Glu1683Lys]RPGWCLVRTT

ClinVar aggregate classification (germline): Uncertain significance (1 of 4 stars; one submission).

Conditions:
KALRN-related disorder. Also called: KALRN-related condition.

Allele frequency attached by ClinVar (database versions not stated): ExAC 0.00003; TOPMed 0.00006; gnomAD 0.00007; gnomAD exomes 0.00015.
gnomAD v4.1: 192 of 1,367,770 alleles (0.014%); highest among the groups gnomAD compares: Non-Finnish European, 0.018%; no homozygotes.

Submission:

PreventionGenetics, part of Exact Sciences
Classification: Uncertain significance for KALRN-related condition. Last evaluated: 2023-07-26. Review status: criteria provided, single submitter. Criteria: ACMG Guidelines, 2015. Collection method: clinical testing. Allele origin: germline.
Comment: The KALRN c.5041G>A variant is predicted to result in the amino acid substitution p.Glu1681Lys. To our knowledge, this variant has not been reported in the literature. This variant is reported in 0.010% of alleles in individuals of European (Non-Finnish) descent in gnomAD. At this time, the clinical significance of this variant is uncertain due to the absence of conclusive functional and genetic evidence.